The following is an entry in ClinVar:

ClinVar aggregate classification (germline): Likely pathogenic. Review status: criteria provided, multiple submitters, no conflicts (2 of 4 stars). 3 submissions from 3 submitters: Likely pathogenic (3). Last evaluated 2024-06-03.

Conditions:
Polycystic kidney disease 4 (PKD4). Also called: POLYCYSTIC KIDNEY AND HEPATIC DISEASE 1; POLYCYSTIC KIDNEY DISEASE, INFANTILE, TYPE I; PKD3; POLYCYSTIC KIDNEY DISEASE 4 WITH OR WITHOUT POLYCYSTIC LIVER DISEASE; Autosomal Recessive Polycystic Kidney Disease – PKHD1. Identifiers: MedGen C4540575, MONDO:0033004, OMIM 263200.
Autosomal recessive polycystic kidney disease (ARPKD). Also called: AR polycystic kidney disease. Identifiers: Orphanet 731, Orphanet 8378, MedGen C0085548, MeSH D017044, MONDO:0009889.

Allele frequency attached by ClinVar (database versions not stated): gnomAD 0.00001; TOPMed 0.00001.
gnomAD v4.1: 2 of 1,613,794 alleles (0.00012%); highest among the groups gnomAD compares: African/African-American, 0.0027%; no homozygotes.

Submissions (3):

Natera, Inc.
Classification: Likely pathogenic for Autosomal recessive polycystic kidney disease. Last evaluated: 2024-06-03. Review status: criteria provided, single submitter. Criteria: Natera Variant Classification Schema (03/2026). Collection method: clinical testing. Allele origin: germline.
Comment: The c.5416G>T variant in PKHD1 is a nonsense variant predicted to introduce a stop codon at amino acid 1806. This variant is expected to result in nonsense mediated decay, truncation, or a dysfunctional protein product. This variant is rare in the general population with a frequency below the threshold expected for the associated phenotype(s). Given the available evidence, this variant is classified as Likely Pathogenic.

Fulgent Genetics
Classification: Likely pathogenic for Polycystic kidney disease 4. Last evaluated: 2024-05-02. Review status: criteria provided, single submitter. Criteria: ACMG Guidelines, 2015. Collection method: clinical testing. Allele origin: germline.

Baylor Genetics
Classification: Likely pathogenic for Polycystic kidney disease 4. Last evaluated: 2023-11-14. Review status: criteria provided, single submitter. Criteria: ACMG Guidelines, 2015. Collection method: clinical testing. Allele origin: unknown.

NM_138694.4(PKHD1):c.5416G>T (p.Glu1806Ter)

Gene: PKHD1 (PKHD1 ciliary IPT domain containing fibrocystin/polyductin; minus strand). Cytogenetic location: 6p12.2.
Variant type: single nucleotide variant.
Coding change: c.5416G>T on transcript NM_138694.4 (MANE Select); coding-DNA position 5416, G replaced by T.
Protein change: p.Glu1806Ter; replaces glutamic acid 1806 with a stop codon.
Molecular consequence: nonsense.
Genome position (GRCh38, 1-based): chr6:52,017,594, C>A on the plus strand (G>T on the coding strand, the complement: PKHD1 is on the minus strand). VCF-style: chr6-52017594-C-A. GRCh37 (hg19) VCF-style: chr6-51882392-C-A.
Other names: c.5416G>T, p.Glu1806Ter (NM_170724.3); c.5416G>T (NM_138694.3); short protein forms E1806*.
Identifiers: ClinVar variation 2677792 (VCV002677792.4), dbSNP rs1334951339, ClinGen allele CA364426400.